The following is an entry in ClinVar:

ClinVar aggregate classification (germline): Uncertain significance (1 of 4 stars; one submission).

Conditions:
Nemaline myopathy 2 (NEM2). Also called: Nemaline myopathy 2, autosomal recessive. Identifiers: MedGen C1850569, MONDO:0009725, OMIM 256030.

Allele frequency attached by ClinVar (database versions not stated): ExAC 0.00001; gnomAD exomes 0.00001.
gnomAD v4.1: 12 of 1,607,782 alleles (0.00075%); highest among the groups gnomAD compares: Non-Finnish European, 0.00094%; no homozygotes.

Submission:

Labcorp Genetics (formerly Invitae), Labcorp
Classification: Uncertain significance for Nemaline myopathy 2. Last evaluated: 2021-08-27. Review status: criteria provided, single submitter. Criteria: Invitae Variant Classification Sherloc (09022015). Collection method: clinical testing. Allele origin: germline.
Comment: This sequence change replaces phenylalanine with leucine at codon 6684 of the NEB protein (p.Phe6684Leu). The phenylalanine residue is moderately conserved and there is a small physicochemical difference between phenylalanine and leucine. This variant is present in population databases (rs750704829, ExAC 0.002%). This variant has not been reported in the literature in individuals affected with NEB-related conditions. Algorithms developed to predict the effect of missense changes on protein structure and function are either unavailable or do not agree on the potential impact of this missense change (SIFT: "Deleterious"; PolyPhen-2: "Not Available"; Align-GVGD: "Class C0"). In summary, the available evidence is currently insufficient to determine the role of this variant in disease. Therefore, it has been classified as a Variant of Uncertain Significance.

NM_001164508.2(NEB):c.20052C>A (p.Phe6684Leu)

Gene: NEB (nebulin; minus strand). Cytogenetic location: 2q23.3.
Variant type: single nucleotide variant.
Coding change: c.20052C>A on transcript NM_001164508.2 (MANE Select); coding-DNA position 20052, C replaced by A.
Protein change: p.Phe6684Leu; replaces phenylalanine 6684 with leucine.
Molecular consequence: missense variant.
Genome position (GRCh38, 1-based): chr2:151,548,413, G>T on the plus strand (C>A on the coding strand, the complement: NEB is on the minus strand). VCF-style: chr2-151548413-G-T. GRCh37 (hg19) VCF-style: chr2-152404927-G-T.
Other names: c.20052C>A, p.Phe6684Leu (NM_001164507.2, NM_001271208.2); c.14949C>A, p.Phe4983Leu (NM_004543.5); short protein forms F4983L, F6684L.
Identifiers: ClinVar variation 1041137 (VCV001041137.2), dbSNP rs750704829, ClinGen allele CA1907444.